The following is an entry in ClinVar:

NC_000001.10:g.(?_115215735)_(115218644_?)del

Gene: AMPD1 (adenosine monophosphate deaminase 1; minus strand). Cytogenetic location: 1p13.2.
Variant type: Deletion.
Identifiers: ClinVar variation 3247663 (VCV003247663.1).

ClinVar aggregate classification (germline): Uncertain significance (1 of 4 stars; one submission).

Conditions:
Muscle AMP deaminase deficiency (MMDD). Also called: AMPD1 DEFICIENCY; ADENOSINE MONOPHOSPHATE DEAMINASE-1 DEFICIENCY, MYOPATHY DUE TO; Myoadenylate deaminase deficiency, myopathy due to; Adenosine monophosphate deaminase 1 deficiency; AMP deaminase 1 deficiency; Adenosine Monophosphate Deaminase 1. Identifiers: Orphanet 45, MedGen C3714933, MONDO:0014220, OMIM 615511.

Submission:

Labcorp Genetics (formerly Invitae), Labcorp
Classification: Uncertain significance for Muscle AMP deaminase deficiency. Last evaluated: 2023-04-11. Review status: criteria provided, single submitter. Criteria: Invitae Variant Classification Sherloc (09022015). Collection method: clinical testing. Allele origin: unknown.
Comment: In summary, the available evidence is currently insufficient to determine the role of this variant in disease. Therefore, it has been classified as a Variant of Uncertain Significance. Experimental studies and prediction algorithms are not available or were not evaluated, and the functional significance of this variant is currently unknown. This variant has not been reported in the literature in individuals affected with AMPD1-related conditions. This variant is a gross deletion of the genomic region encompassing exon(s) 11-16 of the AMPD1 gene, which includes the termination codon. This deletion extends beyond the assayed region for this gene and therefore may encompass additional genes. While this deletion is not anticipated to lead to nonsense mediated decay, it is expected to alter mRNA translation or result in a truncated protein product.